The following is an entry in ClinVar:

ClinVar aggregate classification (germline): Uncertain significance (1 of 4 stars; one submission).

Allele frequency attached by ClinVar (database versions not stated): TOPMed below 0.00001; ExAC 0.00001; gnomAD 0.00001; gnomAD exomes 0.00001; 1000 Genomes Project 30x 0.00016; 1000 Genomes Project 0.00020.
gnomAD v4.1: 6 of 1,614,128 alleles (0.00037%); highest among the groups gnomAD compares: African/African-American, 0.0067%; no homozygotes.

Submission:

Labcorp Genetics (formerly Invitae), Labcorp
Classification: Uncertain significance. Last evaluated: 2022-10-13. Review status: criteria provided, single submitter. Criteria: Invitae Variant Classification Sherloc (09022015). Collection method: clinical testing. Allele origin: germline.
Comment: In summary, the available evidence is currently insufficient to determine the role of this variant in disease. Therefore, it has been classified as a Variant of Uncertain Significance. Advanced modeling of protein sequence and biophysical properties (such as structural, functional, and spatial information, amino acid conservation, physicochemical variation, residue mobility, and thermodynamic stability) performed at Invitae indicates that this missense variant is not expected to disrupt MRPL44 protein function. This variant has not been reported in the literature in individuals affected with MRPL44-related conditions. This variant is present in population databases (rs544208460, gnomAD 0.02%). This sequence change replaces glutamine, which is neutral and polar, with histidine, which is basic and polar, at codon 204 of the MRPL44 protein (p.Gln204His).

NM_022915.5(MRPL44):c.612G>T (p.Gln204His)

Gene: MRPL44 (mitochondrial ribosomal protein L44; plus strand). Cytogenetic location: 2q36.1.
Variant type: single nucleotide variant.
Coding change: c.612G>T on transcript NM_022915.5 (MANE Select); coding-DNA position 612, G replaced by T.
Protein change: p.Gln204His; replaces glutamine 204 with histidine.
Molecular consequence: missense variant.
Genome position (GRCh38, 1-based): chr2:223,959,966, G>T. VCF-style: chr2-223959966-G-T. GRCh37 (hg19) VCF-style: chr2-224824683-G-T.
Other names: short protein forms Q204H.
Identifiers: ClinVar variation 1950180 (VCV001950180.5), dbSNP rs544208460, ClinGen allele CA2139068.